The following is an entry in ClinVar:

NM_003060.4(SLC22A5):c.235del (p.His79fs)

Gene: SLC22A5 (solute carrier family 22 member 5; plus strand). Cytogenetic location: 5q31.1.
Variant type: Deletion.
Coding change: c.235del on transcript NM_003060.4 (MANE Select); coding-DNA position 235, one base deleted (C; older notation c.235delC).
Protein change: p.His79fs; shifts the reading frame from histidine 79.
Molecular consequence: frameshift variant.
Genome position (GRCh38, 1-based): chr5:132,370,207, C deleted; the last of 4 consecutive C bases (chr5:132,370,204-132,370,207); deleting any one gives the same sequence. VCF-style (leftmost placement, unchanged base first): chr5-132370203-GC-G. GRCh37 (hg19) VCF-style: chr5-131705895-GC-G.
Other names: c.235del, p.His79fs (NM_001308122.2); c.235delC (NM_003060.3); short protein forms H79fs.
Identifiers: ClinVar variation 25359 (VCV000025359.14), dbSNP rs377767447, ClinGen allele CA342622.

ClinVar aggregate classification (germline): Pathogenic. Review status: criteria provided, multiple submitters, no conflicts (2 of 4 stars). 3 submissions from 3 submitters: Pathogenic (3). Last evaluated 2023-09-21.

Conditions:
Renal carnitine transport defect (CDSP). Also called: Systemic primary carnitine deficiency disease; Carnitine transporter deficiency; Carnitine Deficiency, Systemic; CARNITINE DEFICIENCY, SYSTEMIC, DUE TO DEFECT IN RENAL REABSORPTION OF CARNITINE; CARNITINE TRANSPORTER, PLASMA-MEMBRANE, DEFICIENCY OF; CARNITINE UPTAKE DEFECT. Identifiers: Orphanet 158, MedGen C0342788, MONDO:0008919, OMIM 212140.

Submissions (3):

Labcorp Genetics (formerly Invitae), Labcorp
Classification: Pathogenic for Renal carnitine transport defect. Last evaluated: 2023-09-21. Review status: criteria provided, single submitter. Criteria: Invitae Variant Classification Sherloc (09022015). Collection method: clinical testing. Allele origin: germline.
Comment: This variant is present in population databases (rs377767447, gnomAD 0.007%). This sequence change creates a premature translational stop signal (p.His79Thrfs*51) in the SLC22A5 gene. It is expected to result in an absent or disrupted protein product. Loss-of-function variants in SLC22A5 are known to be pathogenic (PMID: 9916797). This premature translational stop signal has been observed in individual(s) with primary carnitine deficiency (PMID: 16652335). This variant is also known as c.232delC. ClinVar contains an entry for this variant (Variation ID: 25359). For these reasons, this variant has been classified as Pathogenic.

Genome-Nilou Lab
Classification: Pathogenic for Renal carnitine transport defect. Last evaluated: 2021-07-15. Review status: criteria provided, single submitter. Criteria: ACMG Guidelines, 2015. Collection method: clinical testing. Allele origin: germline. Affected: no.

Women's Health and Genetics/Laboratory Corporation of America, LabCorp
Classification: Pathogenic for Renal carnitine transport defect. Last evaluated: 2021-02-19. Review status: criteria provided, single submitter. Criteria: LabCorp Variant Classification Summary - May 2015. Collection method: clinical testing. Allele origin: germline.
Comment: Variant summary: SLC22A5 c.235delC (p.His79ThrfsX51) results in a premature termination codon, predicted to cause a truncation of the encoded protein or absence of the protein due to nonsense mediated decay, which are commonly known mechanisms for disease. Truncations downstream of this position have been classified as pathogenic by our laboratory. The variant allele was found at a frequency of 1e-05 in 198962 control chromosomes (gnomAD). c.235delC has been reported in the literature in individuals affected with Systemic Primary Carnitine Deficiency (Amat di San Filippo_2006, Frigeni_2017). These data indicate that the variant may be associated with disease. Additionally, carnitine transport activity was measured in fibroblasts from one homozygous patient and the variant results in <10% of normal transport activity (Frigeni_2017). One ClinVar submitter (evaluation after 2014) cites the variant as pathogenic. Based on the evidence outlined above, the variant was classified as pathogenic.

Literature cited by the submitters: PubMed 9916797 (cited by Labcorp Genetics (formerly Invitae), Labcorp); PubMed 16652335 (cited by Labcorp Genetics (formerly Invitae), Labcorp and Women's Health and Genetics/Laboratory Corporation of America, LabCorp); PubMed 21922592 (cited by Women's Health and Genetics/Laboratory Corporation of America, LabCorp); PubMed 23379544 (cited by Women's Health and Genetics/Laboratory Corporation of America, LabCorp); PubMed 26828774 (cited by Women's Health and Genetics/Laboratory Corporation of America, LabCorp); PubMed 28841266 (cited by Women's Health and Genetics/Laboratory Corporation of America, LabCorp); PubMed 16602102 (cited by Women's Health and Genetics/Laboratory Corporation of America, LabCorp).